The following is an entry in ClinVar:

NM_001205293.3(CACNA1E):c.6082C>T (p.Arg2028Cys)

Gene: CACNA1E (calcium voltage-gated channel subunit alpha1 E; plus strand). Cytogenetic location: 1q25.3.
Variant type: single nucleotide variant.
Coding change: c.6082C>T on transcript NM_001205293.3 (MANE Select); coding-DNA position 6082, C replaced by T.
Protein change: p.Arg2028Cys; replaces arginine 2028 with cysteine.
Molecular consequence: missense variant.
Genome position (GRCh38, 1-based): chr1:181,794,918, C>T. VCF-style: chr1-181794918-C-T. GRCh37 (hg19) VCF-style: chr1-181764054-C-T.
Other names: c.5953C>T, p.Arg1985Cys (NM_000721.4); c.5896C>T, p.Arg1966Cys (NM_001205294.2); short protein forms R1985C, R1966C, R2028C.
Identifiers: ClinVar variation 2097677 (VCV002097677.4), dbSNP rs756993182, ClinGen allele CA33859689.

ClinVar aggregate classification (germline): Uncertain significance (1 of 4 stars; one submission).

Allele frequency attached by ClinVar (database versions not stated): TOPMed 0.00002.
gnomAD v4.1: 4 of 1,613,864 alleles (0.00025%); highest among the groups gnomAD compares: Middle Eastern, 0.016%; no homozygotes.

Submission:

Labcorp Genetics (formerly Invitae), Labcorp
Classification: Uncertain significance. Last evaluated: 2024-12-09. Review status: criteria provided, single submitter. Criteria: Invitae Variant Classification Sherloc (09022015). Collection method: clinical testing. Allele origin: germline.
Comment: This sequence change replaces arginine, which is basic and polar, with cysteine, which is neutral and slightly polar, at codon 1985 of the CACNA1E protein (p.Arg1985Cys). This variant is present in population databases (no rsID available, gnomAD 0.0009%). This variant has not been reported in the literature in individuals affected with CACNA1E-related conditions. ClinVar contains an entry for this variant (Variation ID: 2097677). Invitae Evidence Modeling of protein sequence and biophysical properties (such as structural, functional, and spatial information, amino acid conservation, physicochemical variation, residue mobility, and thermodynamic stability) indicates that this missense variant is not expected to disrupt CACNA1E protein function with a negative predictive value of 95%. In summary, the available evidence is currently insufficient to determine the role of this variant in disease. Therefore, it has been classified as a Variant of Uncertain Significance.